The following is an entry in ClinVar:

NM_001261826.3(AP3D1):c.193-3C>T

Gene: AP3D1 (adaptor related protein complex 3 subunit delta 1; minus strand). Cytogenetic location: 19p13.3.
Variant type: single nucleotide variant.
Coding change: c.193-3C>T on transcript NM_001261826.3 (MANE Select); 3 bases into the intron before coding-DNA position 193, C replaced by T.
Molecular consequence: intron variant.
Genome position (GRCh38, 1-based): chr19:2,137,810, G>A on the plus strand (C>T on the coding strand, the complement: AP3D1 is on the minus strand). VCF-style: chr19-2137810-G-A. GRCh37 (hg19) VCF-style: chr19-2137809-G-A.
Other names: c.193-3C>T (NM_003938.8, NM_001374799.1).
Identifiers: ClinVar variation 1473557 (VCV001473557.6), dbSNP rs966797968, ClinGen allele CA304176797.

ClinVar aggregate classification (germline): Uncertain significance (1 of 4 stars; one submission).

Allele frequency attached by ClinVar (database versions not stated): gnomAD exomes below 0.00001 and 0.00001; TOPMed 0.00003; gnomAD 0.00006 and 0.00007.
gnomAD v4.1: 20 of 1,613,646 alleles (0.0012%); highest among the groups gnomAD compares: Non-Finnish European, 0.0017%; no homozygotes.

Submission:

Labcorp Genetics (formerly Invitae), Labcorp
Classification: Uncertain significance. Last evaluated: 2025-08-19. Review status: criteria provided, single submitter. Criteria: Invitae Variant Classification Sherloc (09022015). Collection method: clinical testing. Allele origin: germline.
Comment: This sequence change falls in intron 2 of the AP3D1 gene. It does not directly change the encoded amino acid sequence of the AP3D1 protein. It affects a nucleotide within the consensus splice site. This variant is present in population databases (no rsID available, gnomAD 0.002%). This variant has not been reported in the literature in individuals affected with AP3D1-related conditions. ClinVar contains an entry for this variant (Variation ID: 1473557). Variants that disrupt the consensus splice site are a relatively common cause of aberrant splicing (PMID: 17576681, 9536098). Algorithms developed to predict the effect of sequence changes on RNA splicing suggest that this variant is not likely to affect RNA splicing. In summary, the available evidence is currently insufficient to determine the role of this variant in disease. Therefore, it has been classified as a Variant of Uncertain Significance.

Literature cited by the submitters: PubMed 17576681; PubMed 9536098.